The following is an entry in ClinVar:

ClinVar aggregate classification (germline): Uncertain significance (1 of 4 stars; one submission).

Conditions:
Inborn genetic diseases. Identifiers: MedGen C0950123, MeSH D030342.

Submission:

Ambry Genetics
Classification: Uncertain significance for Inborn genetic diseases. Last evaluated: 2025-04-05. Review status: criteria provided, single submitter. Criteria: Ambry Variant Classification Scheme 2023. Collection method: clinical testing. Allele origin: germline.
Comment: The p.Q954P variant (also known as c.2861A>C), located in coding exon 29 of the RTEL1 gene, results from an A to C substitution at nucleotide position 2861. The glutamine at codon 954 is replaced by proline, an amino acid with similar properties. This amino acid position is conserved. In addition, the in silico prediction for this alteration is inconclusive. Based on the available evidence, the clinical significance of this variant remains unclear.

NM_001283009.2(RTEL1):c.2861A>C (p.Gln954Pro)

Genes: RTEL1 (regulator of telomere elongation helicase 1; plus strand), RTEL1-TNFRSF6B (RTEL1-TNFRSF6B readthrough (NMD candidate); plus strand). Cytogenetic location: 20q13.33.
Variant type: single nucleotide variant.
Coding change: c.2861A>C on transcript NM_001283009.2 (MANE Select); coding-DNA position 2861, A replaced by C.
Protein change: p.Gln954Pro; replaces glutamine 954 with proline.
Molecular consequence: missense variant. On other transcripts: non-coding transcript variant (1).
Genome position (GRCh38, 1-based): chr20:63,693,152, A>C. VCF-style: chr20-63693152-A-C. GRCh37 (hg19) VCF-style: chr20-62324505-A-C.
Other names: c.2192A>C, p.Gln731Pro (NM_001283010.1); c.2861A>C, p.Gln954Pro (NM_016434.4); c.2933A>C, p.Gln978Pro (NM_032957.5); short protein forms Q954P, Q978P, Q731P.
Identifiers: ClinVar variation 3948301 (VCV003948301.1).
Genomic context (GRCh38, chr20:63,693,152, plus strand): 5'-GTTCTCTAGAGAAAAAGGGGCAGATGGGGACAGACGCCCCTTCCTCTACAGGCTTCTACC[A>C]GTTTGTGCGGCCCCACCATAAGCAGCAGTTTGAGGAGGTCTGTATCCAGCTGACAGGACG-3'
Protein context (NP_001269938.1, residues 944-964): KKHNLLQGFY[Gln954Pro]FVRPHHKQQF